The following is an entry in ClinVar:

ClinVar aggregate classification (germline): Conflicting classifications of pathogenicity. Review status: criteria provided, conflicting classifications (1 of 4 stars). 5 submissions from 4 submitters: Uncertain significance (4); Likely benign (1). Last evaluated 2022-07-26.

Conditions:
Autosomal recessive ataxia, Beauce type. Also called: Spinocerebellar ataxia, autosomal recessive 8; ATAXIA, RECESSIVE, OF BEAUCE; SYNE1 Deficiency; SYNE1-Related Autosomal Recessive Cerebellar Ataxia. Identifiers: Orphanet 88644, MedGen C1853116, MONDO:0012549, OMIM 610743.
Emery-Dreifuss muscular dystrophy 4, autosomal dominant (EDMD4). Also called: EMERY-DREIFUSS MUSCULAR DYSTROPHY 4 WITH VARIABLE FEATURES. Identifiers: Orphanet 261, MedGen C2751807, MONDO:0013071, OMIM 612998.

Allele frequency attached by ClinVar (database versions not stated): gnomAD exomes 0.00002; ExAC 0.00003; TOPMed 0.00003; gnomAD 0.00004 and 0.00005; 1000 Genomes Project 30x 0.00031; 1000 Genomes Project 0.00040.
gnomAD v4.1: 71 of 1,614,086 alleles (0.0044%); highest among the groups gnomAD compares: Non-Finnish European, 0.0056%; no homozygotes.

Submissions (5):

Labcorp Genetics (formerly Invitae), Labcorp
Classification: Uncertain significance for Emery-Dreifuss muscular dystrophy 4, autosomal dominant; Autosomal recessive ataxia, Beauce type. Last evaluated: 2022-07-26. Review status: criteria provided, single submitter. Criteria: Invitae Variant Classification Sherloc (09022015). Collection method: clinical testing. Allele origin: germline.
Comment: In summary, the available evidence is currently insufficient to determine the role of this variant in disease. Therefore, it has been classified as a Variant of Uncertain Significance. Algorithms developed to predict the effect of missense changes on protein structure and function (SIFT, PolyPhen-2, Align-GVGD) all suggest that this variant is likely to be disruptive. ClinVar contains an entry for this variant (Variation ID: 290710). This missense change has been observed in individuals with clinical features of spinocerebellar ataxia (PMID: 31692161; Invitae). This variant is present in population databases (rs202171698, gnomAD 0.007%). This sequence change replaces arginine, which is basic and polar, with tryptophan, which is neutral and slightly polar, at codon 5643 of the SYNE1 protein (p.Arg5643Trp).

Athena Diagnostics
Classification: Uncertain significance. Last evaluated: 2021-07-14. Review status: criteria provided, single submitter. Criteria: Athena Diagnostics Criteria. Collection method: clinical testing. Allele origin: unknown.

Illumina Laboratory Services, Illumina
Classification: Likely benign for Emery-Dreifuss muscular dystrophy 4, autosomal dominant. Last evaluated: 2018-01-13. Review status: criteria provided, single submitter. Criteria: ICSL Variant Classification Criteria 13 December 2019. Collection method: clinical testing. Allele origin: germline.
Comment: This variant was observed in the ICSL laboratory as part of a predisposition screen in an ostensibly healthy population. It had not been previously curated by ICSL or reported in the Human Gene Mutation Database (HGMD: prior to June 1st, 2018), and was therefore a candidate for classification through an automated scoring system. Utilizing variant allele frequency, disease prevalence and penetrance estimates, and inheritance mode, an automated score was calculated to assess if this variant is too frequent to cause the disease. Based on the score and internal cut-off values, a variant classified as likely benign is not then subjected to further curation. The score for this variant resulted in a classification of likely benign for this disease.

Illumina Laboratory Services, Illumina
Classification: Uncertain significance for Autosomal recessive ataxia, Beauce type. Last evaluated: 2018-01-13. Review status: criteria provided, single submitter. Criteria: ICSL Variant Classification Criteria 13 December 2019. Collection method: clinical testing. Allele origin: germline.

Eurofins Ntd Llc (ga)
Classification: Uncertain significance. Last evaluated: 2016-09-05. Review status: criteria provided, single submitter. Criteria: EGL Classification Definitions 2015. Collection method: clinical testing. Allele origin: germline. Observed: 1 variant allele, 1 heterozygote.

Literature cited by the submitters: PubMed 31692161 (cited by Labcorp Genetics (formerly Invitae), Labcorp).

NM_182961.4(SYNE1):c.17140C>T (p.Arg5714Trp)

Genes: SYNE1 (spectrin repeat containing nuclear envelope protein 1; minus strand), LOC126859837 (BRD4-independent group 4 enhancer GRCh37_chr6:152630775-152631974; plus strand). Cytogenetic location: 6q25.2.
Variant type: single nucleotide variant.
Coding change: c.17140C>T on transcript NM_182961.4 (MANE Select); coding-DNA position 17140, C replaced by T.
Protein change: p.Arg5714Trp; replaces arginine 5714 with tryptophan.
Molecular consequence: missense variant.
Genome position (GRCh38, 1-based): chr6:152,309,897, G>A on the plus strand (C>T on the coding strand, the complement: SYNE1 is on the minus strand). VCF-style: chr6-152309897-G-A. GRCh37 (hg19) VCF-style: chr6-152631032-G-A.
Other names: c.16927C>T, p.Arg5643Trp (NM_033071.5); short protein forms R5714W, R5643W.
Identifiers: ClinVar variation 290710 (VCV000290710.13), dbSNP rs202171698, ClinGen allele CA4055335.